The following is an entry in ClinVar:

ClinVar aggregate classification (germline): Uncertain significance (1 of 4 stars; one submission).

Submission:

GeneDx
Classification: Uncertain significance. Last evaluated: 2023-07-03. Review status: criteria provided, single submitter. Criteria: GeneDx Variant Classification Process June 2021. Collection method: clinical testing. Allele origin: germline. Affected: yes.
Comment: Not observed at significant frequency in large population cohorts (gnomAD); In silico analysis is inconclusive as to whether the variant alters gene splicing. In the absence of RNA/functional studies, the actual effect of this sequence change is unknown.; Has not been previously published as pathogenic or benign to our knowledge

NM_024079.5(ALG8):c.96-12del

Gene: ALG8 (ALG8 alpha-1,3-glucosyltransferase; minus strand). Cytogenetic location: 11q14.1.
Variant type: Deletion.
Coding change: c.96-12del on transcript NM_024079.5 (MANE Select); 12 bases into the intron before coding-DNA position 96, one base deleted (T; older notation c.96-12delT).
Molecular consequence: intron variant.
Genome position (GRCh38, 1-based): chr11:78,127,448, A deleted on the plus strand (T on the coding strand, the reverse complement: ALG8 is on the minus strand); the first of 2 consecutive A bases (chr11:78,127,448-78,127,449); deleting either gives the same sequence. VCF-style (leftmost placement, unchanged base first): chr11-78127447-CA-C. GRCh37 (hg19) VCF-style: chr11-77838493-CA-C.
Other names: c.-169-12del (NM_001425234.1, NM_001425239.1); c.96-3356del (NM_001425231.1); c.22-3234del (NM_001425235.1, NM_001425226.1, NM_001425236.1); c.96-12del (NM_001425220.1, NM_001425240.1, NM_001425238.1 and 14 more transcripts); c.-417-12del (NM_001425241.1); c.-455-12del (NM_001425242.1); c.96-9del (NM_001425219.1).
Identifiers: ClinVar variation 3360467 (VCV003360467.1).